The following is an entry in ClinVar:

ClinVar aggregate classification (germline): Uncertain significance (1 of 4 stars; one submission).

gnomAD v4.1: 1 of 1,613,388 alleles (0.000062%); no homozygotes.

Submission:

GeneDx
Classification: Uncertain significance. Last evaluated: 2022-08-09. Review status: criteria provided, single submitter. Criteria: GeneDx Variant Classification Process June 2021. Collection method: clinical testing. Allele origin: germline. Affected: yes.
Comment: Not observed at significant frequency in large population cohorts (gnomAD); In silico analysis supports that this missense variant does not alter protein structure/function; Has not been previously published as pathogenic or benign to our knowledge

NM_001378120.1(MBD5):c.392G>A (p.Gly131Glu)

Gene: MBD5 (methyl-CpG binding domain protein 5; plus strand). Cytogenetic location: 2q23.1.
Variant type: single nucleotide variant.
Coding change: c.392G>A on transcript NM_001378120.1 (MANE Select); coding-DNA position 392, G replaced by A.
Protein change: p.Gly131Glu; replaces glycine 131 with glutamic acid.
Molecular consequence: missense variant.
Genome position (GRCh38, 1-based): chr2:148,463,914, G>A. VCF-style: chr2-148463914-G-A. GRCh37 (hg19) VCF-style: chr2-149221483-G-A.
Other names: c.392G>A, p.Gly131Glu (NM_018328.5); short protein forms G131E.
Identifiers: ClinVar variation 2429638 (VCV002429638.1), dbSNP rs2469819604, ClinGen allele CA348716691.